The following is an entry in ClinVar:

NM_000531.6(OTC):c.607T>C (p.Ser203Pro)

Gene: OTC (ornithine transcarbamylase; plus strand). Cytogenetic location: Xp11.4.
Variant type: single nucleotide variant.
Coding change: c.607T>C on transcript NM_000531.6 (MANE Select); coding-DNA position 607, T replaced by C.
Protein change: p.Ser203Pro; replaces serine 203 with proline.
Molecular consequence: missense variant.
Genome position (GRCh38, 1-based): chrX:38,403,684, T>C. VCF-style: chrX-38403684-T-C. GRCh37 (hg19) VCF-style: chrX-38262937-T-C.
Other names: c.607T>C, p.Ser203Pro (NM_001407092.1); short protein forms S203P.
Identifiers: ClinVar variation 2584418 (VCV002584418.1), dbSNP rs2519975441, ClinGen allele CA412725623.
Genomic context (GRCh38, chrX:38,403,684, plus strand): 5'-TATAGCTCTCTGAAAGGTCTTACCCTCAGCTGGATCGGGGATGGGAACAATATCCTGCAC[T>C]CCATCATGATGAGCGCAGCGAAATTCGGAATGCACCTTCAGGCAGCTACTCCAAAGGTAG-3'
Protein context (NP_000522.3, residues 193-213): WIGDGNNILH[Ser203Pro]IMMSAAKFGM

ClinVar aggregate classification (germline): Likely pathogenic (1 of 4 stars; one submission).

Conditions:
Ornithine carbamoyltransferase deficiency (OTCD). Also called: ORNITHINE TRANSCARBAMYLASE DEFICIENCY; Ornithine Carbamoyltransferase Deficiency Disease; OTC DEFICIENCY; ORNITHINE TRANSCARBAMYLASE DEFICIENCY, HYPERAMMONEMIA DUE TO. Identifiers: Orphanet 664, MedGen C0268542, MONDO:0010703, OMIM 311250.

Submission:

Rady Children's Institute for Genomic Medicine, Rady Children's Hospital San Diego
Classification: Likely pathogenic for ORNITHINE TRANSCARBAMYLASE DEFICIENCY, HYPERAMMONEMIA DUE TO. Review status: criteria provided, single submitter. Criteria: ACMG Guidelines, 2015. Collection method: clinical testing. Allele origin: germline. Affected: yes.
Comment: This variant has not been previously reported or functionally characterized in the literature to our knowledge. A different missense change at the same codon (p.Ser203Cys) has been previously reported as a hemizygous change in a patient with ornithine transcarbamylase deficiency (PMID: 8019569). This variant is absent from the gnomAD population database and thus is presumed to be rare. The c.607T>C (p.Ser203Pro) variant affects a highly conserved amino acid and is predicted by multiple in silico tools to have a deleterious effect on protein function. Analysis of the maternal sample was negative for the variant, indicating the variant likely occurred as a de novo event. Based on the available evidence, the c.607T>C (p.Ser203Pro) variant is classified as Likely Pathogenic.